The following is an entry in ClinVar:

NM_020843.4(SCAPER):c.2215A>G (p.Met739Val)

Gene: SCAPER (S-phase cyclin A associated protein in the ER; minus strand). Cytogenetic location: 15q24.3.
Variant type: single nucleotide variant.
Coding change: c.2215A>G on transcript NM_020843.4 (MANE Select); coding-DNA position 2215, A replaced by G.
Protein change: p.Met739Val; replaces methionine 739 with valine.
Molecular consequence: missense variant. On other transcripts: non-coding transcript variant (1).
Genome position (GRCh38, 1-based): chr15:76,705,935, T>C on the plus strand (A>G on the coding strand, the complement: SCAPER is on the minus strand). VCF-style: chr15-76705935-T-C. GRCh37 (hg19) VCF-style: chr15-76998276-T-C.
Other names: c.1477A>G, p.Met493Val (NM_001145923.2); c.2233A>G, p.Met745Val (NM_001353009.2); c.1813A>G, p.Met605Val (NM_001353010.2, NM_001353012.2); c.1831A>G, p.Met611Val (NM_001353011.2); short protein forms M605V, M745V, M739V, M611V, M493V.
Identifiers: ClinVar variation 4981162 (VCV004981162.1).
Genomic context (GRCh38, chr15:76,705,935, plus strand): 5'-TCAAATTAAAAATATATAATATCCTTACCTTGAGCTGAATTTTTTTCTGTAACTCTTCCA[T>C]AGCTTCTTGTTGAGCAGCTGTGAGTGCTGCCAATCGTTCTTCCCTGTCTCTGTAAGAAGA-3'
Protein context (NP_065894.2, residues 729-749): AALTAAQQEA[Met739Val]EELQKKIQLK

ClinVar aggregate classification (germline): Uncertain significance (1 of 4 stars; one submission).

Conditions:
SCAPER-related disorder. Also called: SCAPER-related condition.

gnomAD v4.1: 163 of 1,563,950 alleles (0.01%); highest among the groups gnomAD compares: African/African-American, 0.014%; no homozygotes.

Submission:

PreventionGenetics, part of Exact Sciences
Classification: Uncertain significance for SCAPER-related condition. Last evaluated: 2026-08-20. Review status: criteria provided, single submitter. Criteria: ACMG Guidelines, 2015. Collection method: clinical testing. Allele origin: germline.
Comment: The SCAPER c.2233A>G variant is predicted to result in the amino acid substitution p.Met745Val. To our knowledge, this variant has not been reported in the literature. This variant is reported in 0.016% of alleles in individuals of European (Non-Finnish) descent in gnomAD. At this time, the clinical significance of this variant is uncertain due to the absence of conclusive functional and genetic evidence.